The following is an entry in ClinVar:

NM_130797.4(DPP6):c.1995C>T (p.Ser665=)

Gene: DPP6 (dipeptidyl peptidase like 6; plus strand). Cytogenetic location: 7q36.2.
Variant type: single nucleotide variant.
Coding change: c.1995C>T on transcript NM_130797.4 (MANE Select); coding-DNA position 1995, C replaced by T.
Protein change: p.Ser665=; no amino-acid change (serine 665 retained).
Molecular consequence: synonymous variant. On other transcripts: non-coding transcript variant (2).
Genome position (GRCh38, 1-based): chr7:154,876,017, C>T. VCF-style: chr7-154876017-C-T. GRCh37 (hg19) VCF-style: chr7-154667727-C-T.
Other names: c.1803C>T, p.Ser601= (NM_001039350.3); c.1674C>T, p.Ser558= (NM_001290252.2); c.1812C>T, p.Ser604= (NM_001364497.2, NM_001364498.2, NM_001364499.2 and 1 more transcripts); c.1809C>T, p.Ser603= (NM_001936.5).
Identifiers: ClinVar variation 3041739 (VCV003041739.2), dbSNP rs558465693, ClinGen allele CA4583751.
Genomic context (GRCh38, chr7:154,876,017, plus strand): 5'-GGAGACGGTGATGGTGAGCAGCCACGGCGCGGTGGTGGTAAAGTGTGACGGCCGTGGCAG[C>T]GGCTTCCAAGGGACCAAGCTCCTGCACGAAGTGAGGCGGCGGCTGGGCTTGCTGGAGGAG-3'
Protein context (NP_570629.2, residues 655-675): AVVVKCDGRG[Ser665=]GFQGTKLLHE

ClinVar aggregate classification (germline): Likely benign (0 of 4 stars; one submission).

Conditions:
DPP6-related disorder. Also called: DPP6-related condition.

Allele frequency attached by ClinVar (database versions not stated): gnomAD exomes 0.00004; ExAC 0.00005; gnomAD 0.00009; TOPMed 0.00014; 1000 Genomes Project 0.00020; 1000 Genomes Project 30x 0.00031.
gnomAD v4.1: 75 of 1,612,974 alleles (0.0046%); highest among the groups gnomAD compares: Admixed American, 0.02%; no homozygotes.

Submission:

PreventionGenetics, part of Exact Sciences
Classification: Likely benign for DPP6-related condition. Last evaluated: 2019-05-17. Review status: no assertion criteria provided. Collection method: clinical testing. Allele origin: germline.
Comment: This variant is classified as likely benign based on ACMG/AMP sequence variant interpretation guidelines (Richards et al. 2015 PMID: 25741868, with internal and published modifications).